The following is an entry in ClinVar:

ClinVar aggregate classification (germline): Uncertain significance (1 of 4 stars; one submission).

Allele frequency attached by ClinVar (database versions not stated): gnomAD 0.00001; gnomAD exomes 0.00001.
gnomAD v4.1: 5 of 1,596,592 alleles (0.00031%); highest among the groups gnomAD compares: Non-Finnish European, 0.00042%; no homozygotes.

Submission:

GeneDx
Classification: Uncertain significance. Last evaluated: 2021-01-12. Review status: criteria provided, single submitter. Criteria: GeneDx Variant Classification Process June 2021. Collection method: clinical testing. Allele origin: germline. Affected: yes.
Comment: Not observed in large population cohorts (Lek et al., 2016); Normal stop codon changed to a Cys codon, leading to the addition of 15 amino acids at the C-terminus; Has not been previously published as pathogenic or benign to our knowledge

NM_001083961.2(WDR62):c.4572A>C (p.Ter1524Cys)

Gene: WDR62 (WD repeat domain 62; plus strand). Cytogenetic location: 19q13.12.
Variant type: single nucleotide variant.
Coding change: c.4572A>C on transcript NM_001083961.2 (MANE Select); coding-DNA position 4572, A replaced by C.
Protein change: p.Ter1524Cys.
Molecular consequence: stop lost.
Genome position (GRCh38, 1-based): chr19:36,105,028, A>C. VCF-style: chr19-36105028-A-C. GRCh37 (hg19) VCF-style: chr19-36595930-A-C.
Other names: c.4557A>C, p.Ter1519Cys (NM_173636.5).
Identifiers: ClinVar variation 1313901 (VCV001313901.2), dbSNP rs1973671414, ClinGen allele CA405463587.